The following is an entry in ClinVar:

ClinVar aggregate classification (germline): Uncertain significance (1 of 4 stars; one submission).

Conditions:
Polymicrogyria, perisylvian, with cerebellar hypoplasia and arthrogryposis (NEDSPLB). Identifiers: MedGen C4225295, MONDO:0014679, OMIM 616531.

gnomAD v4.1: 1 of 1,614,030 alleles (0.000062%); no homozygotes.

Submission:

OLLIN Analises Genomicas, OLLIN
Classification: Uncertain significance for Polymicrogyria, perisylvian, with cerebellar hypoplasia and arthrogryposis. Last evaluated: 2026-08-06. Review status: criteria provided, single submitter. Criteria: ACMG Guidelines 2015 PMID 25741868. Collection method: clinical testing. Allele origin: germline. Inheritance: Autosomal recessive inheritance.
Comment: This missense variant, located in exon 14 (of 55), has been observed in gnomAD with an allele frequency of 0.000062%, but has not been reported in ClinVar or identified in the literature. In silico analysis predicts that this variant has a tolerated effect. This gene is constrained for missense variation. According to the currently available evidence, this variant has been classified as uncertain significance (PM2_P, PP2, BP4_M).

NM_058004.4(PI4KA):c.1654A>G (p.Met552Val)

Gene: PI4KA (phosphatidylinositol 4-kinase alpha; minus strand). Cytogenetic location: 22q11.21.
Variant type: single nucleotide variant.
Coding change: c.1654A>G on transcript NM_058004.4 (MANE Select); coding-DNA position 1654, A replaced by G.
Protein change: p.Met552Val; replaces methionine 552 with valine.
Molecular consequence: missense variant.
Genome position (GRCh38, 1-based): chr22:20,802,043, T>C on the plus strand (A>G on the coding strand, the complement: PI4KA is on the minus strand). VCF-style: chr22-20802043-T-C. GRCh37 (hg19) VCF-style: chr22-21156331-T-C.
Other names: c.1654A>G, p.Met552Val (NM_001362862.2); c.1588A>G, p.Met530Val (NM_001362863.2); short protein forms M530V, M552V.
Identifiers: ClinVar variation 5002930 (VCV005002930.1).